The following is an entry in ClinVar:

ClinVar aggregate classification (germline): Uncertain significance (1 of 4 stars; one submission).

Allele frequency attached by ClinVar (database versions not stated): gnomAD exomes below 0.00001.

Submission:

Labcorp Genetics (formerly Invitae), Labcorp
Classification: Uncertain significance. Last evaluated: 2020-06-02. Review status: criteria provided, single submitter. Criteria: Invitae Variant Classification Sherloc (09022015). Collection method: clinical testing. Allele origin: germline.
Comment: This variant is not present in population databases (ExAC no frequency). This variant has not been reported in the literature in individuals with RBP3-related conditions. Algorithms developed to predict the effect of missense changes on protein structure and function output the following: SIFT: "Tolerated"; PolyPhen-2: "Benign"; Align-GVGD: "Class C0". The valine amino acid residue is found in multiple mammalian species, suggesting that this missense change does not adversely affect protein function. These predictions have not been confirmed by published functional studies and their clinical significance is uncertain. In summary, the available evidence is currently insufficient to determine the role of this variant in disease. Therefore, it has been classified as a Variant of Uncertain Significance. This sequence change replaces methionine with valine at codon 1139 of the RBP3 protein (p.Met1139Val). The methionine residue is weakly conserved and there is a small physicochemical difference between methionine and valine.

NM_002900.3(RBP3):c.3415A>G (p.Met1139Val)

Gene: RBP3 (retinol binding protein 3; plus strand). Cytogenetic location: 10q11.22.
Variant type: single nucleotide variant.
Coding change: c.3415A>G on transcript NM_002900.3 (MANE Select); coding-DNA position 3415, A replaced by G.
Protein change: p.Met1139Val; replaces methionine 1139 with valine.
Molecular consequence: missense variant.
Genome position (GRCh38, 1-based): chr10:47,357,128, A>G. VCF-style: chr10-47357128-A-G. GRCh37 (hg19) VCF-style: chr10-48382234-T-C.
Other names: short protein forms M1139V.
Identifiers: ClinVar variation 1020475 (VCV001020475.8), dbSNP rs1837057926, ClinGen allele CA376677162.
Genomic context (GRCh38, chr10:47,357,128, plus strand): 5'-TGACCCCCATCCTGAAGGGCCTTATGTCTTCCAGGTGAACGCTATGGCTCCAAGAAGAGC[A>G]TGGTCATTCTGACCAGCAGTGTGACGGCCGGCACCGCGGAGGAGTTCACCTATATCATGA-3'
Protein context (NP_002891.1, residues 1129-1149): VGERYGSKKS[Met1139Val]VILTSSVTAG